The following is an entry in ClinVar:

ClinVar aggregate classification (germline): Uncertain significance (1 of 4 stars; one submission).

Conditions:
RASopathy. Also called: rasopathies; Noonan spectrum disorder. Identifiers: Orphanet 536391, MedGen C5555857, MONDO:0021060.

gnomAD v4.1: 2 of 1,528,990 alleles (0.00013%); highest among the groups gnomAD compares: Non-Finnish European, 0.00017%; no homozygotes.

Submission:

Labcorp Genetics (formerly Invitae), Labcorp
Classification: Uncertain significance for RASopathy. Last evaluated: 2024-09-17. Review status: criteria provided, single submitter. Criteria: Invitae Variant Classification Sherloc (09022015). Collection method: clinical testing. Allele origin: germline.
Comment: This sequence change replaces alanine, which is neutral and non-polar, with glycine, which is neutral and non-polar, at codon 34 of the BRAF protein (p.Ala34Gly). This variant is not present in population databases (gnomAD no frequency). This variant has not been reported in the literature in individuals affected with BRAF-related conditions. Invitae Evidence Modeling of protein sequence and biophysical properties (such as structural, functional, and spatial information, amino acid conservation, physicochemical variation, residue mobility, and thermodynamic stability) has been performed for this missense variant. However, the output from this modeling did not meet the statistical confidence thresholds required to predict the impact of this variant on BRAF protein function. In summary, the available evidence is currently insufficient to determine the role of this variant in disease. Therefore, it has been classified as a Variant of Uncertain Significance.

NM_004333.6(BRAF):c.101C>G (p.Ala34Gly)

Gene: BRAF (B-Raf proto-oncogene, serine/threonine kinase; minus strand). Cytogenetic location: 7q34.
Variant type: single nucleotide variant.
Coding change: c.101C>G on transcript NM_004333.6 (MANE Select); coding-DNA position 101, C replaced by G.
Protein change: p.Ala34Gly; replaces alanine 34 with glycine.
Molecular consequence: missense variant.
Genome position (GRCh38, 1-based): chr7:140,924,603, G>C on the plus strand (C>G on the coding strand, the complement: BRAF is on the minus strand). VCF-style: chr7-140924603-G-C. GRCh37 (hg19) VCF-style: chr7-140624403-G-C.
Other names: c.101C>G, p.Ala34Gly (NM_001354609.2, NM_001374244.1, NM_001378474.1 and 7 more transcripts); short protein forms A34G.
Identifiers: ClinVar variation 3615204 (VCV003615204.2).